The following is an entry in ClinVar:

ClinVar aggregate classification (germline): Pathogenic/Likely pathogenic. Review status: criteria provided, multiple submitters, no conflicts (2 of 4 stars). 2 submissions from 2 submitters: Pathogenic (1); Likely pathogenic (1). Last evaluated 2023-01-16.

Conditions:
Joubert syndrome and related disorders. Identifiers: Orphanet 140874, MedGen C5679612, MONDO:0015369.

Submissions (2):

Women's Health and Genetics/Laboratory Corporation of America, LabCorp
Classification: Likely pathogenic for Joubert syndrome and related disorders. Last evaluated: 2023-01-16. Review status: criteria provided, single submitter. Criteria: LabCorp Variant Classification Summary - May 2015. Collection method: clinical testing. Allele origin: germline.
Comment: Variant summary: NPHP3 c.1888-7_1893del13 spans over a canonical splice-site and is predicted to affect mRNA splicing resulting in a significantly altered protein due to either exon skipping, shortening, or inclusion of intronic material. Several computational tools predict a significant impact on normal splicing: Four predict the variant abolishes a 3' acceptor site. However, these predictions have yet to be confirmed by functional studies. The variant was absent in 247196 control chromosomes. To our knowledge, no occurrence of c.1888-7_1893del13 in individuals affected with Joubert Syndrome And Related Disorders and no experimental evidence demonstrating its impact on protein function have been reported. One clinical diagnostic laboratory has submitted clinical-significance assessments for this variant to ClinVar after 2014 without evidence for independent evaluation. One laboratory classified the variant as pathogenic. Based on the evidence outlined above, the variant was classified as likely pathogenic.

Eurofins Ntd Llc (ga)
Classification: Pathogenic. Last evaluated: 2017-03-16. Review status: criteria provided, single submitter. Criteria: EGL Classification Definitions 2015. Collection method: clinical testing. Allele origin: germline.

NM_153240.5(NPHP3):c.1888-7_1893del

Genes: NPHP3 (nephrocystin 3; minus strand), NPHP3-ACAD11 (NPHP3-ACAD11 readthrough (NMD candidate); minus strand). Cytogenetic location: 3q22.1.
Variant type: Deletion.
Coding change: c.1888-7_1893del on transcript NM_153240.5 (MANE Select); 7 bases into the intron before coding-DNA position 1888 through coding-DNA position 1893, 13 bases deleted (TTTTAAGCAAGTT).
Molecular consequence: splice acceptor variant.
Genome position (GRCh38, 1-based): chr3:132,699,445-132,699,457, AACTTGCTTAAAA deleted on the plus strand (TTTTAAGCAAGTT on the coding strand, the reverse complement: NPHP3 is on the minus strand); deleting any 13 consecutive bases within chr3:132,699,445-132,699,458 gives the same sequence; the c. name uses the placement nearest the transcript's 3' end. VCF-style (leftmost placement, unchanged base first): chr3-132699444-CAACTTGCTTAAAA-C. GRCh37 (hg19) VCF-style: chr3-132418288-CAACTTGCTTAAAA-C.
Other names: c.1888-7_1893del13 (NM_153240.4).
Identifiers: ClinVar variation 500897 (VCV000500897.9), dbSNP rs1553773296, ClinGen allele CA658796377.